The following is an entry in ClinVar:

NM_002878.4(RAD51D):c.263+1476C>T

Genes: RAD51D (RAD51 paralog D; minus strand), RAD51L3-RFFL (RAD51L3-RFFL readthrough; minus strand). Cytogenetic location: 17q12.
Variant type: single nucleotide variant.
Coding change: c.263+1476C>T on transcript NM_002878.4 (MANE Select); 1476 bases into the intron after coding-DNA position 263, C replaced by T.
Molecular consequence: intron variant. On other transcripts: missense variant (1).
Genome position (GRCh38, 1-based): chr17:35,117,025, G>A on the plus strand (C>T on the coding strand, the complement: RAD51D is on the minus strand). VCF-style: chr17-35117025-G-A. GRCh37 (hg19) VCF-style: chr17-33444044-G-A.
Other names: c.157C>T, p.His53Tyr (NM_001142571.2); c.144+2086C>T (NM_133629.3); short protein forms H53Y.
Identifiers: ClinVar variation 5027842 (VCV005027842.1).
Genomic context (GRCh38, chr17:35,117,025, plus strand): 5'-TCCACGATCTCCCTGCGGGGACCTGAGGCAGCTGCAGTCCTCCCAGGTTCCCACTTGAGT[G>A]CGCCCTCCATGTCTGTTGGATTTATAAACTCCCTAAGCCCAAGGCCAATCGGCTTCCTGT-3'

ClinVar aggregate classification (germline): Uncertain significance (1 of 4 stars; one submission).

Conditions:
Hereditary cancer-predisposing syndrome. Also called: Neoplastic Syndromes, Hereditary; Tumor predisposition; Hereditary neoplastic syndrome; Hereditary Cancer Syndrome. Identifiers: Orphanet 140162, MedGen C0027672, MeSH D009386, MONDO:0015356.

Submission:

Ambry Genetics
Classification: Uncertain significance for Hereditary cancer-predisposing syndrome. Last evaluated: 2026-07-07. Review status: criteria provided, single submitter. Criteria: Ambry Variant Classification Scheme 2023. Collection method: clinical testing. Allele origin: germline.
Comment: The p.H53Y variant (also known as c.157C>T), located in coding exon 3 of the RAD51D gene, results from a C to T substitution at nucleotide position 157. The histidine at codon 53 is replaced by tyrosine, an amino acid with similar properties. This amino acid position is conserved. In addition, this alteration is predicted to be tolerated by in silico analysis. Based on the available evidence, the clinical significance of this variant remains unclear.